The following is an entry in ClinVar:

NM_004656.4(BAP1):c.1357A>C (p.Lys453Gln)

Gene: BAP1 (BRCA1 associated deubiquitinase 1; minus strand). Cytogenetic location: 3p21.1.
Variant type: single nucleotide variant.
Coding change: c.1357A>C on transcript NM_004656.4 (MANE Select); coding-DNA position 1357, A replaced by C.
Protein change: p.Lys453Gln; replaces lysine 453 with glutamine.
Molecular consequence: missense variant.
Genome position (GRCh38, 1-based): chr3:52,403,788, T>G on the plus strand (A>C on the coding strand, the complement: BAP1 is on the minus strand). VCF-style: chr3-52403788-T-G. GRCh37 (hg19) VCF-style: chr3-52437804-T-G.
Other names: c.1303A>C, p.Lys435Gln (NM_001410772.1); short protein forms K453Q, K435Q.
Identifiers: ClinVar variation 2450424 (VCV002450424.2), dbSNP rs1394176642, ClinGen allele CA353101865.

ClinVar aggregate classification (germline): Uncertain significance (1 of 4 stars; one submission).

Conditions:
Hereditary cancer-predisposing syndrome. Also called: Neoplastic Syndromes, Hereditary; Tumor predisposition; Hereditary neoplastic syndrome; Hereditary Cancer Syndrome. Identifiers: Orphanet 140162, MedGen C0027672, MeSH D009386, MONDO:0015356.

Submission:

Ambry Genetics
Classification: Uncertain significance for Hereditary cancer-predisposing syndrome. Last evaluated: 2022-11-30. Review status: criteria provided, single submitter. Criteria: Ambry Variant Classification Scheme 2023. Collection method: clinical testing. Allele origin: germline.
Comment: The p.K453Q variant (also known as c.1357A>C), located in coding exon 13 of the BAP1 gene, results from an A to C substitution at nucleotide position 1357. The lysine at codon 453 is replaced by glutamine, an amino acid with similar properties. This amino acid position is conserved. In addition, this alteration is predicted to be tolerated by in silico analysis. Since supporting evidence is limited at this time, the clinical significance of this alteration remains unclear.